The following is an entry in ClinVar:

ClinVar aggregate classification (germline): Likely benign. Review status: criteria provided, multiple submitters, no conflicts (2 of 4 stars). 2 submissions from 2 submitters: Likely benign (2). Last evaluated 2024-09-23.

Conditions:
Hereditary diffuse gastric adenocarcinoma (HDGC). Also called: DIFFUSE GASTRIC AND LOBULAR BREAST CANCER SYNDROME. Identifiers: Orphanet 26106, MedGen C1708349, MONDO:0007648, OMIM 137215.

gnomAD v4.1: 2 of 1,611,370 alleles (0.00012%); highest among the groups gnomAD compares: Non-Finnish European, 0.00017%; no homozygotes.

Submissions (2):

Myriad Genetics, Inc.
Classification: Likely benign for Hereditary diffuse gastric adenocarcinoma. Last evaluated: 2024-09-23. Review status: criteria provided, single submitter. Criteria: Myriad Autosomal Dominant, Autosomal Recessive and X-Linked Classification Criteria (2023). Collection method: clinical testing. Allele origin: unknown.
Comment: This variant is considered likely benign. This variant is intronic and is not expected to impact mRNA splicing.

Labcorp Genetics (formerly Invitae), Labcorp
Classification: Likely benign for Hereditary diffuse gastric adenocarcinoma. Last evaluated: 2024-04-12. Review status: criteria provided, single submitter. Criteria: Invitae Variant Classification Sherloc (09022015). Collection method: clinical testing. Allele origin: germline.

NM_004360.5(CDH1):c.2440-13C>T

Gene: CDH1 (cadherin 1; plus strand). Cytogenetic location: 16q22.1.
Variant type: single nucleotide variant.
Coding change: c.2440-13C>T on transcript NM_004360.5 (MANE Select); 13 bases into the intron before coding-DNA position 2440, C replaced by T.
Molecular consequence: intron variant.
Genome position (GRCh38, 1-based): chr16:68,833,277, C>T. VCF-style: chr16-68833277-C-T. GRCh37 (hg19) VCF-style: chr16-68867180-C-T.
Other names: c.892-13C>T (NM_001317185.2); c.475-13C>T (NM_001317186.2); c.2257-13C>T (NM_001317184.2).
Identifiers: ClinVar variation 1561166 (VCV001561166.9), dbSNP rs1567517555, ClinGen allele CA2573152663.
Genomic context (GRCh38, chr16:68,833,277, plus strand): 5'-CTAGACTTCTTGCCCCAGATGACAGGTGTGCCCTTCCTTTCACTAAAAGATGCTTTTGTC[C>T]CTTCTTCTTTAGAATCTGAAAGCGGCTGATACTGACCCCACAGCCCCGCCTTATGATTCT-3'